The following is an entry in ClinVar:

ClinVar aggregate classification (germline): Benign/Likely benign. Review status: criteria provided, multiple submitters, no conflicts (2 of 4 stars). 4 submissions from 4 submitters: Benign (2); Likely benign (1). 1 of the submissions does not count toward it. Last evaluated 2022-11-01.

Conditions:
VWA2-related disorder. Also called: VWA2-related condition.

Allele frequency attached by ClinVar (database versions not stated): 1000 Genomes Project 30x 0.00094; 1000 Genomes Project 0.00120; ExAC 0.00319; gnomAD 0.00417; TOPMed 0.00438.
gnomAD v4.1: 10,596 of 1,550,596 alleles (0.68%); highest among the groups gnomAD compares: Non-Finnish European, 0.83%; 51 homozygotes.

Submissions (4):

CeGaT Center for Human Genetics Tuebingen
Classification: Likely benign. Last evaluated: 2022-11-01. Review status: criteria provided, single submitter. Criteria: CeGaT Center For Human Genetics Tuebingen Variant Classification Criteria Version 2. Collection method: clinical testing. Allele origin: germline. Affected: yes. Observed: 1 variant allele.
Comment: VWA2: BP4, BS2

Labcorp Genetics (formerly Invitae), Labcorp
Classification: Benign. Last evaluated: 2019-12-31. Review status: criteria provided, single submitter. Criteria: Invitae Variant Classification Sherloc (09022015). Collection method: clinical testing. Allele origin: germline.

Breakthrough Genomics
Classification: Benign. Review status: criteria provided, single submitter. Criteria: ACMG Guidelines, 2015. Collection method: not provided. Allele origin: germline. Inheritance: Unknown mechanism. Affected: yes.

PreventionGenetics, part of Exact Sciences
Classification: Benign for VWA2-related condition. Last evaluated: 2020-05-26. Review status: no assertion criteria provided. Collection method: clinical testing. Allele origin: germline. Not counted in ClinVar's aggregate classification.
Comment: This variant is classified as benign based on ACMG/AMP sequence variant interpretation guidelines (Richards et al. 2015 PMID: 25741868, with internal and published modifications).

NM_001272046.2(VWA2):c.2182G>C (p.Val728Leu)

Genes: AFAP1L2 (actin filament associated protein 1 like 2; minus strand), VWA2 (von Willebrand factor A domain containing 2; plus strand). Cytogenetic location: 10q25.3.
Variant type: single nucleotide variant.
Coding change: c.2182G>C on transcript NM_001272046.2 (MANE Select); coding-DNA position 2182, G replaced by C.
Protein change: p.Val728Leu; replaces valine 728 with leucine.
Molecular consequence: missense variant.
Genome position (GRCh38, 1-based): chr10:114,290,299, G>C. VCF-style: chr10-114290299-G-C. GRCh37 (hg19) VCF-style: chr10-116050058-G-C.
Other names: c.2182G>C, p.Val728Leu (NM_001320804.1); short protein forms V728L.
Identifiers: ClinVar variation 780141 (VCV000780141.30), dbSNP rs45560935, ClinGen allele CA5700904.